The following is an entry in ClinVar:

ClinVar aggregate classification (germline): Uncertain significance. Review status: criteria provided, multiple submitters, no conflicts (2 of 4 stars). 2 submissions from 2 submitters: Uncertain significance (2). Last evaluated 2026-03-30.

Conditions:
NTRK2-related disorder. Also called: NTRK2-related condition.

Allele frequency attached by ClinVar (database versions not stated): gnomAD exomes 0.00001; ExAC 0.00002.
gnomAD v4.1: 13 of 1,613,668 alleles (0.00081%); highest among the groups gnomAD compares: South Asian, 0.011%; no homozygotes.

Submissions (2):

PreventionGenetics, part of Exact Sciences
Classification: Uncertain significance for NTRK2-related condition. Last evaluated: 2026-03-30. Review status: criteria provided, single submitter. Criteria: ACMG Guidelines, 2015. Collection method: clinical testing. Allele origin: germline.
Comment: The NTRK2 c.1222G>A variant is predicted to result in the amino acid substitution p.Gly408Arg. To our knowledge, this variant has not been reported in the literature. This variant is reported in 0.0065% of alleles in individuals of South Asian descent in gnomAD. At this time, the clinical significance of this variant is uncertain due to the absence of conclusive functional and genetic evidence.

Labcorp Genetics (formerly Invitae), Labcorp
Classification: Uncertain significance. Last evaluated: 2023-01-06. Review status: criteria provided, single submitter. Criteria: Invitae Variant Classification Sherloc (09022015). Collection method: clinical testing. Allele origin: germline.
Comment: In summary, the available evidence is currently insufficient to determine the role of this variant in disease. Therefore, it has been classified as a Variant of Uncertain Significance. Algorithms developed to predict the effect of missense changes on protein structure and function are either unavailable or do not agree on the potential impact of this missense change (SIFT: "Deleterious"; PolyPhen-2: "Possibly Damaging"; Align-GVGD: "Class C0"). ClinVar contains an entry for this variant (Variation ID: 1371722). This variant has not been reported in the literature in individuals affected with NTRK2-related conditions. This variant is present in population databases (rs748744999, gnomAD 0.006%). This sequence change replaces glycine, which is neutral and non-polar, with arginine, which is basic and polar, at codon 408 of the NTRK2 protein (p.Gly408Arg).

NM_006180.6(NTRK2):c.1222G>A (p.Gly408Arg)

Gene: NTRK2 (neurotrophic receptor tyrosine kinase 2; plus strand). Cytogenetic location: 9q21.33.
Variant type: single nucleotide variant.
Coding change: c.1222G>A on transcript NM_006180.6 (MANE Select); coding-DNA position 1222, G replaced by A.
Protein change: p.Gly408Arg; replaces glycine 408 with arginine.
Molecular consequence: missense variant.
Genome position (GRCh38, 1-based): chr9:84,744,999, G>A. VCF-style: chr9-84744999-G-A. GRCh37 (hg19) VCF-style: chr9-87359914-G-A.
Other names: c.1222G>A, p.Gly408Arg (NM_001007097.3, NM_001018064.3, NM_001018065.2 and 15 more transcripts); c.1183G>A, p.Gly395Arg (NM_001291937.2, NM_001369546.1); c.1186G>A, p.Gly396Arg (NM_001369534.1); c.754G>A, p.Gly252Arg (NM_001369535.1, NM_001369536.1, NM_001369550.1 and 2 more transcripts); c.1222G>A (NM_006180.4); short protein forms G252R, G395R, G396R, G408R.
Identifiers: ClinVar variation 1371722 (VCV001371722.8), dbSNP rs748744999, ClinGen allele CA5105678.